The following is an entry in ClinVar:

ClinVar aggregate classification (germline): Pathogenic. Review status: criteria provided, multiple submitters, no conflicts (2 of 4 stars). 2 submissions from 2 submitters: Pathogenic (2). Last evaluated 2018-12-05.

Conditions:
Cornelia de Lange syndrome 4 (CDLS4). Also called: CORNELIA DE LANGE SYNDROME 4 WITH OR WITHOUT MIDLINE BRAIN DEFECTS; RAD21-Related Cornelia de Lange Syndrome. Identifiers: Orphanet 199, MedGen C3553517, MONDO:0013864, OMIM 614701.
Inborn genetic diseases. Identifiers: MedGen C0950123, MeSH D030342.

Submissions (2):

Ambry Genetics
Classification: Pathogenic for Inborn genetic diseases. Last evaluated: 2018-12-05. Review status: criteria provided, single submitter. Criteria: Ambry exome assertion method (8-5-2015). Collection method: clinical testing. Allele origin: germline. Affected: yes. Observed: 1 variant allele.

Juno Genomics, Hangzhou Juno Genomics, Inc
Classification: Pathogenic for Cornelia de Lange syndrome 4. Review status: criteria provided, single submitter. Criteria: ACMG Guidelines, 2015. Collection method: clinical testing. Allele origin: germline. Affected: yes.
Comment: Absent from controls (or at extremely low frequency if recessive) in Genome Aggregation Database, Exome Sequencing Project, 1000 Genomes Project, or Exome Aggregation Consortium.;De novo (both maternity and paternity confirmed) in a patient with the disease and no family history.;Null variant in a gene where loss of function (LOF) is a known mechanism of disease.

Literature cited by the submitters: PubMed 25125236 (cited by Ambry Genetics); PubMed 24378232 (cited by Ambry Genetics); PubMed 27882533 (cited by Ambry Genetics).

NM_006265.3(RAD21):c.1222G>T (p.Gly408Ter)

Gene: RAD21 (RAD21 cohesin complex component; minus strand). Cytogenetic location: 8q24.11.
Variant type: single nucleotide variant.
Coding change: c.1222G>T on transcript NM_006265.3 (MANE Select); coding-DNA position 1222, G replaced by T.
Protein change: p.Gly408Ter; replaces glycine 408 with a stop codon.
Molecular consequence: nonsense.
Genome position (GRCh38, 1-based): chr8:116,852,648, C>A on the plus strand (G>T on the coding strand, the complement: RAD21 is on the minus strand). VCF-style: chr8-116852648-C-A. GRCh37 (hg19) VCF-style: chr8-117864887-C-A.
Other names: short protein forms G408*.
Identifiers: ClinVar variation 985588 (VCV000985588.5), dbSNP rs1411614521, ClinGen allele CA371999052.
Genomic context (GRCh38, chr8:116,852,648, plus strand): 5'-CTCTAGGAACCTCTGGATTTTCAAATTCTTTGAGGAATTCATCCAAATTATCTGCCTCTC[C>A]TCCTTTCCTCCTTTTTCTAAGGTCTTCTGGTACAAGCGGTGTAAGACAGCGTGTAAAGAG-3'